The following is an entry in ClinVar:

ClinVar aggregate classification (germline): Uncertain significance. Review status: criteria provided, multiple submitters, no conflicts (2 of 4 stars). 2 submissions from 2 submitters: Uncertain significance (2). Last evaluated 2025-08-06.

Conditions:
Hereditary cancer-predisposing syndrome. Also called: Hereditary neoplastic syndrome; Neoplastic Syndromes, Hereditary; Tumor predisposition; Hereditary Cancer Syndrome. Identifiers: Orphanet 140162, MedGen C0027672, MeSH D009386, MONDO:0015356.
Ataxia-telangiectasia syndrome (AT). Also called: Ataxia telangiectasia (A-T); LOUIS-BAR SYNDROME; Cerebello-oculocutaneous telangiectasia; Immunodeficiency with ataxia telangiectasia; Ataxia-telangiectasia, complementation group D; AT, COMPLEMENTATION GROUP C. Identifiers: Orphanet 100, MedGen C0004135, MONDO:0008840, OMIM 208900.

Submissions (2):

Labcorp Genetics (formerly Invitae), Labcorp
Classification: Uncertain significance for Ataxia-telangiectasia syndrome. Last evaluated: 2025-08-06. Review status: criteria provided, single submitter. Criteria: Invitae Variant Classification Sherloc (09022015). Collection method: clinical testing. Allele origin: germline.
Comment: This sequence change replaces tyrosine, which is neutral and polar, with cysteine, which is neutral and slightly polar, at codon 2755 of the ATM protein (p.Tyr2755Cys). This variant is not present in population databases (gnomAD no frequency). This missense change has been observed in individual(s) with ATM-related conditions (PMID: 24549055). ClinVar contains an entry for this variant (Variation ID: 1762678). Invitae Evidence Modeling of protein sequence and biophysical properties (such as structural, functional, and spatial information, amino acid conservation, physicochemical variation, residue mobility, and thermodynamic stability) indicates that this missense variant is expected to disrupt ATM protein function with a positive predictive value of 95%. In summary, the available evidence is currently insufficient to determine the role of this variant in disease. Therefore, it has been classified as a Variant of Uncertain Significance.

Ambry Genetics
Classification: Uncertain significance for Hereditary cancer-predisposing syndrome. Last evaluated: 2022-08-08. Review status: criteria provided, single submitter. Criteria: Ambry Variant Classification Scheme 2023. Collection method: clinical testing. Allele origin: germline.
Comment: The p.Y2755C variant (also known as c.8264A>G), located in coding exon 55 of the ATM gene, results from an A to G substitution at nucleotide position 8264. The tyrosine at codon 2755 is replaced by cysteine, an amino acid with highly dissimilar properties. This alteration has been identified in a cohort of high-risk breast/ovarian cancer patients (Cast&eacute;ra L et al. Eur. J. Hum. Genet., 2014 Nov;22:1305-13). This amino acid position is highly conserved in available vertebrate species. In addition, this alteration is predicted to be deleterious by in silico analysis. Since supporting evidence is limited at this time, the clinical significance of this alteration remains unclear.

Literature cited by the submitters: PubMed 24549055 (cited by Labcorp Genetics (formerly Invitae), Labcorp and Ambry Genetics).

NM_000051.4(ATM):c.8264A>G (p.Tyr2755Cys)

Genes: ATM (ATM serine/threonine kinase; plus strand), C11orf65 (chromosome 11 open reading frame 65; minus strand). Cytogenetic location: 11q22.3.
Variant type: single nucleotide variant.
Coding change: c.8264A>G on transcript NM_000051.4 (MANE Select); coding-DNA position 8264, A replaced by G.
Protein change: p.Tyr2755Cys; replaces tyrosine 2755 with cysteine.
Molecular consequence: missense variant. On other transcripts: intron variant (2).
Genome position (GRCh38, 1-based): chr11:108,335,957, A>G. VCF-style: chr11-108335957-A-G. GRCh37 (hg19) VCF-style: chr11-108206684-A-G.
Other names: c.8264A>G, p.Tyr2755Cys (NM_001351834.2); c.641-26886T>C (NM_001330368.2); c.695-665T>C (NM_001351110.2); short protein forms Y2755C.
Identifiers: ClinVar variation 1762678 (VCV001762678.6), dbSNP rs1591199410, ClinGen allele CA382562696.